The following is an entry in ClinVar:

NM_181332.3(NLGN4X):c.1747C>T (p.Arg583Trp)

Gene: NLGN4X (neuroligin 4 X-linked; minus strand). Cytogenetic location: Xp22.32.
Variant type: single nucleotide variant.
Coding change: c.1747C>T on transcript NM_181332.3 (MANE Select); coding-DNA position 1747, C replaced by T.
Protein change: p.Arg583Trp; replaces arginine 583 with tryptophan.
Molecular consequence: missense variant.
Genome position (GRCh38, 1-based): chrX:5,893,521, G>A on the plus strand (C>T on the coding strand, the complement: NLGN4X is on the minus strand). VCF-style: chrX-5893521-G-A. GRCh37 (hg19) VCF-style: chrX-5811562-G-A.
Other names: c.1747C>T, p.Arg583Trp (NM_001282145.2, NM_001282146.2, NM_020742.4); short protein forms R583W.
Identifiers: ClinVar variation 521221 (VCV000521221.5), dbSNP rs1555913640, ClinGen allele CA412013770.

ClinVar aggregate classification (germline): Pathogenic (1 of 4 stars; one submission).

Conditions:
Inborn genetic diseases. Identifiers: MedGen C0950123, MeSH D030342.

Submission:

Ambry Genetics
Classification: Pathogenic for Inborn genetic diseases. Last evaluated: 2026-01-05. Review status: criteria provided, single submitter. Criteria: Ambry Variant Classification Scheme 2023. Collection method: clinical testing. Allele origin: germline.
Comment: The c.1747C>T (p.R583W) alteration is located in exon 6 (coding exon 5) of the NLGN4X gene. This alteration results from a C to T substitution at nucleotide position 1747, causing the arginine (R) at amino acid position 583 to be replaced by a tryptophan (W). This variant was not reported in population-based cohorts in the Genome Aggregation Database (gnomAD). This amino acid position is highly conserved in available vertebrate species. This missense alteration is located in a region that has a low rate of benign missense variation (Lek, 2016; Firth, 2009). This alteration is predicted to be deleterious by in silico analysis. Based on the available evidence, this alteration is classified as pathogenic.